The following is an entry in ClinVar:

ClinVar aggregate classification (germline): Uncertain significance. Review status: criteria provided, multiple submitters, no conflicts (2 of 4 stars). 2 submissions from 2 submitters: Uncertain significance (2). Last evaluated 2024-10-24.

Conditions:
Inborn genetic diseases. Identifiers: MedGen C0950123, MeSH D030342.
Neuronal ceroid lipofuscinosis 7 (CLN7). Also called: MFSD8-Related Neuronal Ceroid-Lipofuscinosis. Identifiers: Orphanet 168491, Orphanet 228366, MedGen C1838571, MONDO:0012588, OMIM 610951.

Allele frequency attached by ClinVar (database versions not stated): gnomAD exomes below 0.00001; ExAC 0.00001; TOPMed 0.00001.
gnomAD v4.1: 2 of 1,613,560 alleles (0.00012%); highest among the groups gnomAD compares: East Asian, 0.0022%; no homozygotes.

Submissions (2):

Ambry Genetics
Classification: Uncertain significance for Inborn genetic diseases. Last evaluated: 2024-10-24. Review status: criteria provided, single submitter. Criteria: Ambry Variant Classification Scheme 2023. Collection method: clinical testing. Allele origin: germline.

Labcorp Genetics (formerly Invitae), Labcorp
Classification: Uncertain significance for Neuronal ceroid lipofuscinosis 7. Last evaluated: 2022-07-14. Review status: criteria provided, single submitter. Criteria: Invitae Variant Classification Sherloc (09022015). Collection method: clinical testing. Allele origin: germline.
Comment: This sequence change replaces threonine, which is neutral and polar, with alanine, which is neutral and non-polar, at codon 211 of the MFSD8 protein (p.Thr211Ala). This variant is present in population databases (rs777761765, gnomAD 0.006%). This variant has not been reported in the literature in individuals affected with MFSD8-related conditions. Algorithms developed to predict the effect of missense changes on protein structure and function are either unavailable or do not agree on the potential impact of this missense change (SIFT: "Tolerated"; PolyPhen-2: "Probably Damaging"; Align-GVGD: "Class C0"). In summary, the available evidence is currently insufficient to determine the role of this variant in disease. Therefore, it has been classified as a Variant of Uncertain Significance.

NM_001371596.2(MFSD8):c.631A>G (p.Thr211Ala)

Gene: MFSD8 (major facilitator superfamily domain containing 8; minus strand). Cytogenetic location: 4q28.2.
Variant type: single nucleotide variant.
Coding change: c.631A>G on transcript NM_001371596.2 (MANE Select); coding-DNA position 631, A replaced by G.
Protein change: p.Thr211Ala; replaces threonine 211 with alanine.
Molecular consequence: missense variant. On other transcripts: intron variant (5).
Genome position (GRCh38, 1-based): chr4:127,939,920, T>C on the plus strand (A>G on the coding strand, the complement: MFSD8 is on the minus strand). VCF-style: chr4-127939920-T-C. GRCh37 (hg19) VCF-style: chr4-128861075-T-C.
Other names: c.496A>G, p.Thr166Ala (NM_001371590.2); c.631A>G, p.Thr211Ala (NM_001371591.2, NM_152778.4); c.637A>G, p.Thr213Ala (NM_001371592.2); c.517A>G, p.Thr173Ala (NM_001371593.2, NM_001410766.1); c.419-1084A>G (NM_001371595.1); c.304+3832A>G (NM_001410765.1); c.439+3832A>G (NM_001363521.3); c.553+2125A>G (NM_001363520.3); and 2 more; short protein forms T213A, T211A, T166A, T173A.
Identifiers: ClinVar variation 2124043 (VCV002124043.5), dbSNP rs777761765, ClinGen allele CA3077422.